The following is an entry in ClinVar:

NM_001184.4(ATR):c.6445A>T (p.Ile2149Phe)

Gene: ATR (ATR checkpoint kinase; minus strand). Cytogenetic location: 3q23.
Variant type: single nucleotide variant.
Coding change: c.6445A>T on transcript NM_001184.4 (MANE Select); coding-DNA position 6445, A replaced by T.
Protein change: p.Ile2149Phe; replaces isoleucine 2149 with phenylalanine.
Molecular consequence: missense variant.
Genome position (GRCh38, 1-based): chr3:142,469,444, T>A on the plus strand (A>T on the coding strand, the complement: ATR is on the minus strand). VCF-style: chr3-142469444-T-A. GRCh37 (hg19) VCF-style: chr3-142188286-T-A.
Other names: c.6253A>T, p.Ile2085Phe (NM_001354579.2); short protein forms I2085F, I2149F.
Identifiers: ClinVar variation 2624936 (VCV002624936.2), dbSNP rs2108279073, ClinGen allele CA354804759.

ClinVar aggregate classification (germline): Uncertain significance (1 of 4 stars; one submission).

Conditions:
Inborn genetic diseases. Identifiers: MedGen C0950123, MeSH D030342.

Allele frequency attached by ClinVar (database versions not stated): gnomAD exomes below 0.00001.
gnomAD v4.1: 1 of 1,613,920 alleles (0.000062%); highest among the groups gnomAD compares: African/African-American, 0.0013%; no homozygotes.

Submission:

Ambry Genetics
Classification: Uncertain significance for Inborn genetic diseases. Last evaluated: 2023-07-17. Review status: criteria provided, single submitter. Criteria: Ambry Variant Classification Scheme 2023. Collection method: clinical testing. Allele origin: germline.
Comment: The p.I2149F variant (also known as c.6445A>T), located in coding exon 38 of the ATR gene, results from an A to T substitution at nucleotide position 6445. The isoleucine at codon 2149 is replaced by phenylalanine, an amino acid with highly similar properties. This amino acid position is conserved. In addition, the in silico prediction for this alteration is inconclusive. Since supporting evidence is limited at this time, the clinical significance of this alteration remains unclear.